The following is an entry in ClinVar:

NM_001367624.2(ZNF469):c.3125G>A (p.Arg1042Gln)

Gene: ZNF469 (zinc finger protein 469; plus strand). Cytogenetic location: 16q24.2.
Variant type: single nucleotide variant.
Coding change: c.3125G>A on transcript NM_001367624.2 (MANE Select); coding-DNA position 3125, G replaced by A.
Protein change: p.Arg1042Gln; replaces arginine 1042 with glutamine.
Molecular consequence: missense variant.
Genome position (GRCh38, 1-based): chr16:88,430,595, G>A. VCF-style: chr16-88430595-G-A. GRCh37 (hg19) VCF-style: chr16-88497003-G-A.
Other names: NM_001127464.1:c.3125G>A; NM_001127464.2:c.3125G>A; p.Arg1042Gln; short protein forms R1042Q.
Identifiers: ClinVar variation 320902 (VCV000320902.23), dbSNP rs181077813, ClinGen allele CA8224828.
Genomic context (GRCh38, chr16:88,430,595, plus strand): 5'-CCCGCAGCTCCCGGCGCCGCCGGCTGCCCCCCAGGAAGGACCCCAGGAAGAGGAAGGCTC[G>A]GGGCGGCGCCTGGGGCAAGGAGCTCATTCTGAAGATCGTGCAGCAGAAGAACAGGCGCCA-3'
Protein context (NP_001354553.1, residues 1032-1052): PRKDPRKRKA[Arg1042Gln]GGAWGKELIL

ClinVar aggregate classification (germline): Benign/Likely benign. Review status: criteria provided, multiple submitters, no conflicts (2 of 4 stars). 9 submissions from 9 submitters: Benign (7); Likely benign (1). 1 of the submissions does not count toward it. Last evaluated 2026-04-01.

Conditions:
ZNF469-related disorder. Also called: ZNF469-related condition.
Cardiovascular phenotype. Identifiers: MedGen CN230736.
Ehlers-Danlos syndrome (EDS). Identifiers: Orphanet 98249, MedGen C0013720, MONDO:0020066.
Brittle cornea syndrome 1 (BCS1). Also called: Corneal fragility keratoglobus, blue sclerae AND joint hypermobility; DYSGENESIS MESODERMALIS CORNEAE ET SCLERAE; CORNEAL FRAGILITY, KERATOGLOBUS, BLUE SCLERAE, JOINT HYPEREXTENSIBILITY; EDS6B; FRAGILITAS OCULI WITH JOINT HYPEREXTENSIBILITY. Identifiers: Orphanet 90354, MedGen C0268344, MONDO:0024543, OMIM 229200.

Allele frequency attached by ClinVar (database versions not stated): ExAC 0.00158; 1000 Genomes Project 30x 0.01327; gnomAD 0.01341; 1000 Genomes Project 0.01358; TOPMed 0.01549.
gnomAD v4.1: 3,582 of 1,499,550 alleles (0.24%); highest among the groups gnomAD compares: African/African-American, 4.7%; 100 homozygotes.

Submissions (9):

Women's Health and Genetics/Laboratory Corporation of America, LabCorp
Classification: Benign. Last evaluated: 2026-04-01. Review status: criteria provided, single submitter. Criteria: LabCorp Variant Classification Summary - May 2015. Collection method: clinical testing. Allele origin: germline.
Comment: Variant summary: ZNF469 c.3125G>A (p.Arg1042Gln) results in a conservative amino acid change in the encoded protein sequence. Algorithms developed to predict the effect of missense changes on protein structure and function are either unavailable or do not agree on the potential impact of this missense change. The variant allele was found at a frequency of 0.0024 in 1499550 control chromosomes, predominantly at a frequency of 0.047 within the African or African-American subpopulation in the gnomAD database, including 96 homozygotes. The observed variant frequency within African or African-American control individuals in the gnomAD database exceeds the estimated maximal expected allele frequency for disease-causing variants in ZNF469. To our knowledge, no occurrence of c.3125G>A in individuals affected with ZNF469-related conditions and no experimental evidence demonstrating its impact on protein function have been reported. ClinVar contains an entry for this variant (Variation ID: 320902). Based on the evidence outlined above, the variant was classified as benign.

Labcorp Genetics (formerly Invitae), Labcorp
Classification: Benign. Last evaluated: 2026-02-02. Review status: criteria provided, single submitter. Criteria: Invitae Variant Classification Sherloc (09022015). Collection method: clinical testing. Allele origin: germline.

Mayo Clinic Laboratories, Mayo Clinic
Classification: Benign. Last evaluated: 2023-09-07. Review status: criteria provided, single submitter. Criteria: ACMG Guidelines, 2015. Collection method: clinical testing. Allele origin: germline. Observed: 7 variant alleles.
Comment: BS1, BS2, BP4

Genome-Nilou Lab
Classification: Benign for Brittle cornea syndrome 1. Last evaluated: 2021-12-05. Review status: criteria provided, single submitter. Criteria: ACMG Guidelines, 2015. Collection method: clinical testing. Allele origin: germline. Affected: no.

Genome Diagnostics Laboratory, The Hospital for Sick Children
Classification: Benign for Ehlers-Danlos syndrome. Last evaluated: 2020-06-01. Review status: criteria provided, single submitter. Criteria: ACMG Guidelines, 2015. Collection method: clinical testing. Allele origin: germline.

Ambry Genetics
Classification: Benign for Cardiovascular phenotype. Last evaluated: 2019-08-12. Review status: criteria provided, single submitter. Criteria: Ambry Variant Classification Scheme 2023. Collection method: clinical testing. Allele origin: germline.

GeneDx
Classification: Benign. Last evaluated: 2017-03-20. Review status: criteria provided, single submitter. Criteria: GeneDx Variant Classification (06012015). Collection method: clinical testing. Allele origin: germline. Affected: yes.
Comment: This variant is considered likely benign or benign based on one or more of the following criteria: it is a conservative change, it occurs at a poorly conserved position in the protein, it is predicted to be benign by multiple in silico algorithms, and/or has population frequency not consistent with disease.

Breakthrough Genomics
Classification: Likely benign. Review status: criteria provided, single submitter. Criteria: ACMG Guidelines, 2015. Collection method: not provided. Allele origin: germline. Inheritance: Autosomal recessive inheritance. Affected: yes.

PreventionGenetics, part of Exact Sciences
Classification: Benign for ZNF469-related condition. Last evaluated: 2019-09-13. Review status: no assertion criteria provided. Collection method: clinical testing. Allele origin: germline. Not counted in ClinVar's aggregate classification.
Comment: This variant is classified as benign based on ACMG/AMP sequence variant interpretation guidelines (Richards et al. 2015 PMID: 25741868, with internal and published modifications).

Literature cited by the submitters: PubMed 24825865 (cited by Women's Health and Genetics/Laboratory Corporation of America, LabCorp).